The following is an entry in ClinVar:

ClinVar aggregate classification (germline): Uncertain significance. Review status: criteria provided, multiple submitters, no conflicts (2 of 4 stars). 3 submissions from 3 submitters: Uncertain significance (3). Last evaluated 2025-09-18.

Conditions:
Cardiomyopathy (CMYO). Also called: Cardiomyopathies. Identifiers: Orphanet 167848, MedGen C0878544, MONDO:0004994, HP:0001638. Inheritance: Various modes of inheritance.
Cardiovascular phenotype. Identifiers: MedGen CN230736.
Catecholaminergic polymorphic ventricular tachycardia 1. Also called: RYR2-Related Catecholaminergic Polymorphic Ventricular Tachycardia; VENTRICULAR TACHYCARDIA, CATECHOLAMINERGIC POLYMORPHIC, 1, WITH OR WITHOUT ATRIAL DYSFUNCTION AND/OR DILATED CARDIOMYOPATHY; VENTRICULAR TACHYCARDIA, STRESS-INDUCED POLYMORPHIC 1. Identifiers: Orphanet 3286, MedGen C1631597, MONDO:0011484, OMIM 604772.

Allele frequency attached by ClinVar (database versions not stated): TOPMed below 0.00001; gnomAD 0.00001.
gnomAD v4.1: 4 of 1,613,748 alleles (0.00025%); highest among the groups gnomAD compares: South Asian, 0.0011%; no homozygotes.

Submissions (3):

Color Diagnostics, LLC DBA Color Health
Classification: Uncertain significance for Cardiomyopathy. Last evaluated: 2025-09-18. Review status: criteria provided, single submitter. Criteria: ACMG Guidelines, 2015. Collection method: clinical testing. Allele origin: germline.
Comment: This missense variant replaces glycine with serine at codon 1456 of the RYR2 protein. Computational prediction suggests that this variant may not impact protein structure and function. To our knowledge, functional studies have not been reported for this variant. This variant has not been reported in individuals affected with RYR2-related disorders in the literature. This variant has not been identified in the general population by the Genome Aggregation Database (gnomAD). The available evidence is insufficient to determine the role of this variant in disease conclusively. Therefore, this variant is classified as a Variant of Uncertain Significance.

Labcorp Genetics (formerly Invitae), Labcorp
Classification: Uncertain significance for Catecholaminergic polymorphic ventricular tachycardia 1. Last evaluated: 2025-08-26. Review status: criteria provided, single submitter. Criteria: Invitae Variant Classification Sherloc (09022015). Collection method: clinical testing. Allele origin: germline.
Comment: This sequence change replaces glycine, which is neutral and non-polar, with serine, which is neutral and polar, at codon 1456 of the RYR2 protein (p.Gly1456Ser). This variant is not present in population databases (gnomAD no frequency). This variant has not been reported in the literature in individuals affected with RYR2-related conditions. ClinVar contains an entry for this variant (Variation ID: 1007478). Invitae Evidence Modeling of protein sequence and biophysical properties (such as structural, functional, and spatial information, amino acid conservation, physicochemical variation, residue mobility, and thermodynamic stability) indicates that this missense variant is not expected to disrupt RYR2 protein function with a negative predictive value of 95%. In summary, the available evidence is currently insufficient to determine the role of this variant in disease. Therefore, it has been classified as a Variant of Uncertain Significance.

Ambry Genetics
Classification: Uncertain significance for Cardiovascular phenotype. Last evaluated: 2023-06-21. Review status: criteria provided, single submitter. Criteria: Ambry Variant Classification Scheme 2023. Collection method: clinical testing. Allele origin: germline.
Comment: The p.G1456S variant (also known as c.4366G>A), located in coding exon 33 of the RYR2 gene, results from a G to A substitution at nucleotide position 4366. The glycine at codon 1456 is replaced by serine, an amino acid with similar properties. This amino acid position is not well conserved in available vertebrate species. In addition, this alteration is predicted to be tolerated by in silico analysis. Since supporting evidence is limited at this time, the clinical significance of this alteration remains unclear.

NM_001035.3(RYR2):c.4366G>A (p.Gly1456Ser)

Gene: RYR2 (ryanodine receptor 2; plus strand). Cytogenetic location: 1q43.
Variant type: single nucleotide variant.
Coding change: c.4366G>A on transcript NM_001035.3 (MANE Select); coding-DNA position 4366, G replaced by A.
Protein change: p.Gly1456Ser; replaces glycine 1456 with serine.
Molecular consequence: missense variant.
Genome position (GRCh38, 1-based): chr1:237,593,566, G>A. VCF-style: chr1-237593566-G-A. GRCh37 (hg19) VCF-style: chr1-237756866-G-A.
Other names: c.4366G>A (NM_001035.2); short protein forms G1456S.
Identifiers: ClinVar variation 1007478 (VCV001007478.11), dbSNP rs1265113691, ClinGen allele CA345399874.